The following is an entry in ClinVar:

ClinVar aggregate classification (germline): Uncertain significance (1 of 4 stars; one submission).

Allele frequency attached by ClinVar (database versions not stated): TOPMed below 0.00001.

Submission:

Labcorp Genetics (formerly Invitae), Labcorp
Classification: Uncertain significance. Last evaluated: 2025-09-08. Review status: criteria provided, single submitter. Criteria: Invitae Variant Classification Sherloc (09022015). Collection method: clinical testing. Allele origin: germline.
Comment: This sequence change replaces threonine, which is neutral and polar, with proline, which is neutral and non-polar, at codon 962 of the MYO18B protein (p.Thr962Pro). This variant is not present in population databases (gnomAD no frequency). This variant has not been reported in the literature in individuals affected with MYO18B-related conditions. ClinVar contains an entry for this variant (Variation ID: 1963732). An algorithm developed to predict the effect of missense changes on protein structure and function (PolyPhen-2) suggests that this variant is likely to be disruptive. In summary, the available evidence is currently insufficient to determine the role of this variant in disease. Therefore, it has been classified as a Variant of Uncertain Significance.

NM_032608.7(MYO18B):c.2884A>C (p.Thr962Pro)

Gene: MYO18B (myosin XVIIIB; plus strand). Cytogenetic location: 22q12.1.
Variant type: single nucleotide variant.
Coding change: c.2884A>C on transcript NM_032608.7 (MANE Select); coding-DNA position 2884, A replaced by C.
Protein change: p.Thr962Pro; replaces threonine 962 with proline.
Molecular consequence: missense variant.
Genome position (GRCh38, 1-based): chr22:25,828,873, A>C. VCF-style: chr22-25828873-A-C. GRCh37 (hg19) VCF-style: chr22-26224840-A-C.
Other names: c.2884A>C, p.Thr962Pro (NM_001318245.2); short protein forms T962P.
Identifiers: ClinVar variation 1963732 (VCV001963732.5), dbSNP rs2089596108, ClinGen allele CA411000440.